The following is an entry in ClinVar:

ClinVar aggregate classification (germline): Uncertain significance (1 of 4 stars; one submission).

Conditions:
Autosomal dominant nocturnal frontal lobe epilepsy 5. Also called: KCNT1-Related Epilepsy; CILIARY DYSKINESIA, PRIMARY, 28, WITHOUT SITUS INVERSUS; CILIARY DYSKINESIA, PRIMARY, 28, WITH SITUS INVERSUS; Epilepsy, nocturnal frontal lobe, 5. Identifiers: Orphanet 98784, MedGen C3554306, MONDO:0014002, OMIM 615005.
Developmental and epileptic encephalopathy, 14 (DEE14). Also called: Early infantile epileptic encephalopathy 14. Identifiers: Orphanet 293181, MedGen C3554195, MONDO:0013989, OMIM 614959.

gnomAD v4.1: 3 of 1,613,914 alleles (0.00019%); highest among the groups gnomAD compares: Non-Finnish European, 0.00025%; no homozygotes.

Submission:

Labcorp Genetics (formerly Invitae), Labcorp
Classification: Uncertain significance for Autosomal dominant nocturnal frontal lobe epilepsy 5; Developmental and epileptic encephalopathy, 14. Last evaluated: 2024-06-25. Review status: criteria provided, single submitter. Criteria: Invitae Variant Classification Sherloc (09022015). Collection method: clinical testing. Allele origin: germline.
Comment: This sequence change replaces asparagine, which is neutral and polar, with serine, which is neutral and polar, at codon 626 of the KCNT1 protein (p.Asn626Ser). This variant is present in population databases (rs139988185, gnomAD 0.0009%). This variant has not been reported in the literature in individuals affected with KCNT1-related conditions. Advanced modeling of protein sequence and biophysical properties (such as structural, functional, and spatial information, amino acid conservation, physicochemical variation, residue mobility, and thermodynamic stability) performed at Invitae indicates that this missense variant is not expected to disrupt KCNT1 protein function with a negative predictive value of 80%. In summary, the available evidence is currently insufficient to determine the role of this variant in disease. Therefore, it has been classified as a Variant of Uncertain Significance.

NM_020822.3(KCNT1):c.1877A>G (p.Asn626Ser)

Gene: KCNT1 (potassium sodium-activated channel subfamily T member 1; plus strand). Cytogenetic location: 9q34.3.
Variant type: single nucleotide variant.
Coding change: c.1877A>G on transcript NM_020822.3 (MANE Select); coding-DNA position 1877, A replaced by G.
Protein change: p.Asn626Ser; replaces asparagine 626 with serine.
Molecular consequence: missense variant.
Genome position (GRCh38, 1-based): chr9:135,770,964, A>G. VCF-style: chr9-135770964-A-G. GRCh37 (hg19) VCF-style: chr9-138662810-A-G.
Other names: c.1742A>G, p.Asn581Ser (NM_001272003.2); short protein forms N581S, N626S.
Identifiers: ClinVar variation 3758204 (VCV003758204.2).